The following is an entry in ClinVar:

NM_001283009.2(RTEL1):c.1874G>C (p.Gly625Ala)

Genes: RTEL1 (regulator of telomere elongation helicase 1; plus strand), RTEL1-TNFRSF6B (RTEL1-TNFRSF6B readthrough (NMD candidate); plus strand). Cytogenetic location: 20q13.33.
Variant type: single nucleotide variant.
Coding change: c.1874G>C on transcript NM_001283009.2 (MANE Select); coding-DNA position 1874, G replaced by C.
Protein change: p.Gly625Ala; replaces glycine 625 with alanine.
Molecular consequence: missense variant. On other transcripts: non-coding transcript variant (1).
Genome position (GRCh38, 1-based): chr20:63,689,128, G>C. VCF-style: chr20-63689128-G-C. GRCh37 (hg19) VCF-style: chr20-62320481-G-C.
Other names: c.1205G>C, p.Gly402Ala (NM_001283010.1); c.1874G>C, p.Gly625Ala (NM_016434.4); c.1946G>C, p.Gly649Ala (NM_032957.5); short protein forms G625A, G649A, G402A.
Identifiers: ClinVar variation 4629637 (VCV004629637.1).

ClinVar aggregate classification (germline): Uncertain significance (1 of 4 stars; one submission).

Conditions:
Inborn genetic diseases. Identifiers: MedGen C0950123, MeSH D030342.

Submission:

Ambry Genetics
Classification: Uncertain significance for Inborn genetic diseases. Last evaluated: 2025-12-03. Review status: criteria provided, single submitter. Criteria: Ambry Variant Classification Scheme 2023. Collection method: clinical testing. Allele origin: germline.
Comment: The p.G625A variant (also known as c.1874G>C), located in coding exon 21 of the RTEL1 gene, results from a G to C substitution at nucleotide position 1874. The glycine at codon 625 is replaced by alanine, an amino acid with similar properties. This amino acid position is conserved. In addition, this alteration is predicted to be deleterious by in silico analysis. Based on the available evidence, the clinical significance of this variant remains unclear.